The following is an entry in ClinVar:

ClinVar aggregate classification (germline): Pathogenic/Likely pathogenic. Review status: criteria provided, multiple submitters, no conflicts (2 of 4 stars). 11 submissions from 11 submitters: Pathogenic (9); Likely pathogenic (2). Last evaluated 2025-09-29.

Conditions:
Hereditary cancer-predisposing syndrome. Also called: Tumor predisposition; Hereditary Cancer Syndrome; Hereditary neoplastic syndrome; Neoplastic Syndromes, Hereditary. Identifiers: Orphanet 140162, MedGen C0027672, MeSH D009386, MONDO:0015356.
ATM-related disorder. Also called: ATM-related disorders; ATM-related condition.
Ataxia-telangiectasia syndrome (AT). Also called: Cerebello-oculocutaneous telangiectasia; Immunodeficiency with ataxia telangiectasia; AT, COMPLEMENTATION GROUP C; LOUIS-BAR SYNDROME; Ataxia telangiectasia (A-T); Ataxia-telangiectasia. Identifiers: Orphanet 100, MedGen C0004135, MONDO:0008840, OMIM 208900.
Familial cancer of breast. Also called: BREAST CANCER, FAMILIAL; hereditary breast carcinoma; Hereditary breast cancer. Identifiers: Orphanet 227535, MedGen C0346153, MONDO:0016419, OMIM 114480. Disease mechanism: loss of function.

Submissions (11):

Ambry Genetics
Classification: Pathogenic for Hereditary cancer-predisposing syndrome. Last evaluated: 2025-09-29. Review status: criteria provided, single submitter. Criteria: Ambry Variant Classification Scheme 2023. Collection method: clinical testing. Allele origin: germline.
Comment: The c.2806_2809dupCTAG pathogenic mutation, located in coding exon 17 of the ATM gene, results from a duplication of CTAG at nucleotide position 2806, causing a translational frameshift with a predicted alternate stop codon (p.E937Afs*33). This mutation has been detected in an individual with ataxia-telangiectasia in conjunction with another pathogenic ATM mutation (Teraoka et al. Am. J. Hum. Genet. 1999 Jun;64(6):1617-31). This variant is considered to be rare based on population cohorts in the Genome Aggregation Database (gnomAD). In addition to the clinical data presented in the literature, this alteration is expected to result in loss of function by premature protein truncation or nonsense-mediated mRNA decay. As such, this alteration is interpreted as a disease-causing mutation.

Labcorp Genetics (formerly Invitae), Labcorp
Classification: Pathogenic for Ataxia-telangiectasia syndrome. Last evaluated: 2025-08-07. Review status: criteria provided, single submitter. Criteria: Invitae Variant Classification Sherloc (09022015). Collection method: clinical testing. Allele origin: germline.
Comment: This sequence change creates a premature translational stop signal (p.Glu937Alafs*33) in the ATM gene. It is expected to result in an absent or disrupted protein product. Loss-of-function variants in ATM are known to be pathogenic (PMID: 23807571, 25614872). This variant is not present in population databases (gnomAD no frequency). This premature translational stop signal has been observed in individual(s) with ataxia-telangiectasia (PMID: 9443866). This variant is also known as c.2810insCTAG. ClinVar contains an entry for this variant (Variation ID: 420010). For these reasons, this variant has been classified as Pathogenic.

Natera, Inc.
Classification: Pathogenic for Ataxia-telangiectasia. Last evaluated: 2024-04-30. Review status: criteria provided, single submitter. Criteria: Natera Variant Classification Schema (03/2026). Collection method: clinical testing. Allele origin: germline.
Comment: The c.2806_2809dupCTAG variant in ATM is a frameshift variant predicted to shift the reading frame beginning at codon 937 and leads to a stop codon 33 codons downstream. This variant is expected to result in nonsense mediated decay, truncation, or a dysfunctional protein product. This variant is rare in the general population with a frequency below the threshold expected for the associated phenotype(s). This variant has been observed in one or more individuals affected with the associated recessive disease, as either homozygous or compound heterozygous with a second variant (PMID: 9443866). Given the available evidence, this variant is classified as Pathogenic.

Baylor Genetics
Classification: Pathogenic for Familial cancer of breast. Last evaluated: 2024-03-30. Review status: criteria provided, single submitter. Criteria: ACMG Guidelines, 2015. Collection method: clinical testing. Allele origin: unknown.

Myriad Genetics, Inc.
Classification: Pathogenic for Familial cancer of breast. Last evaluated: 2024-01-18. Review status: criteria provided, single submitter. Criteria: Myriad Autosomal Dominant, Autosomal Recessive and X-Linked Classification Criteria (2023). Collection method: clinical testing. Allele origin: unknown.
Comment: This variant is considered pathogenic. This variant creates a frameshift predicted to result in premature protein truncation.

GeneDx
Classification: Pathogenic. Last evaluated: 2023-08-18. Review status: criteria provided, single submitter. Criteria: GeneDx Variant Classification Process June 2021. Collection method: clinical testing. Allele origin: germline. Affected: yes.
Comment: Frameshift variant predicted to result in protein truncation or nonsense mediated decay in a gene for which loss of function is a known mechanism of disease; Not observed at significant frequency in large population cohorts (gnomAD); Truncating variants in this gene are considered pathogenic by a well-established clinical consortium and/or database; This variant is associated with the following publications: (PMID: 9443866, 10330348, 12673797, 29922827, 32427313)

Women's Health and Genetics/Laboratory Corporation of America, LabCorp
Classification: Likely pathogenic for Ataxia-telangiectasia syndrome. Last evaluated: 2022-12-27. Review status: criteria provided, single submitter. Criteria: LabCorp Variant Classification Summary - May 2015. Collection method: clinical testing. Allele origin: germline.
Comment: Variant summary: ATM c.2806_2809dupCTAG (p.Glu937AlafsX33) results in a premature termination codon, predicted to cause a truncation of the encoded protein or absence of the protein due to nonsense mediated decay, which are commonly known mechanisms for disease. Truncations downstream of this position have been classified as pathogenic by our laboratory. The variant was absent in 251396 control chromosomes. c.2806_2809dupCTAG has been reported in the literature in individuals affected with Ataxia-Telangiectasia (eg. Teraoka_1999, Telatar_1998). To our knowledge, no experimental evidence demonstrating an impact on protein function has been reported. Six clinical diagnostic laboratories have submitted clinical-significance assessments for this variant to ClinVar after 2014 without evidence for independent evaluation. All laboratories classified the variant as pathogenic. Based on the evidence outlined above, the variant was classified as likely pathogenic.

Fulgent Genetics
Classification: Pathogenic for Familial cancer of breast; Ataxia-telangiectasia syndrome. Last evaluated: 2021-11-01. Review status: criteria provided, single submitter. Criteria: ACMG Guidelines, 2015. Collection method: clinical testing. Allele origin: unknown.

Blueprint Genetics
Classification: Likely pathogenic for ATM-related disorders. Last evaluated: 2019-09-14. Review status: criteria provided, single submitter. Criteria: ACMG Guidelines, 2015. Collection method: clinical testing. Allele origin: germline. Affected: yes. Observed: 1 variant allele.

Revvity Omics, Revvity
Classification: Pathogenic for Ataxia-telangiectasia syndrome. Last evaluated: 2019-06-27. Review status: criteria provided, single submitter. Criteria: ACMG Guidelines, 2015. Collection method: clinical testing. Allele origin: germline.

Genetic Services Laboratory, University of Chicago
Classification: Pathogenic. Last evaluated: 2019-02-11. Review status: criteria provided, single submitter. Criteria: ACMG Guidelines, 2015. Collection method: clinical testing. Allele origin: germline. Affected: yes.
Comment: This sequence change in the ATM gene is a 4 base pair duplication in exon 18, c.2806_2809dup. This sequence change results in an amino acid frameshift and creates a premature stop codon 32 amino acids downstream of the mutation, p.Glu937Alafs*33. This pathogenic sequence change is predicted to result in an abnormal transcript, which may be degraded, or may lead to the production of a truncated ATM protein with potentially abnormal function. This pathogenic sequence change has previously been described in a patient with ataxia telangiectasia (Telatar et al., 1998).

Literature cited by the submitters: PubMed 23807571 (cited by Labcorp Genetics (formerly Invitae), Labcorp); PubMed 25614872 (cited by Labcorp Genetics (formerly Invitae), Labcorp); PubMed 9443866 (cited by 3 submitters); PubMed 10330348 (cited by Women's Health and Genetics/Laboratory Corporation of America, LabCorp).

NM_000051.4(ATM):c.2806_2809dup (p.Glu937fs)

Gene: ATM (ATM serine/threonine kinase; plus strand). Cytogenetic location: 11q22.3.
Variant type: Duplication.
Coding change: c.2806_2809dup on transcript NM_000051.4 (MANE Select); coding-DNA positions 2806 to 2809, 4 bases duplicated (CTAG; older notation c.2806_2809dupCTAG).
Protein change: p.Glu937fs; shifts the reading frame from glutamic acid 937.
Molecular consequence: frameshift variant.
Genome position (GRCh38, 1-based): chr11:108,268,577-108,268,580, CTAG duplicated; duplicating any 4 consecutive bases within chr11:108,268,576-108,268,580 gives the same sequence; the c. name uses the placement nearest the transcript's 3' end. VCF-style (leftmost placement, unchanged base first): chr11-108268575-C-CGCTA. GRCh37 (hg19) VCF-style: chr11-108139302-C-CGCTA.
Other names: c.2806_2809dup, p.Glu937fs (NM_001351834.2); c.2806_2809dupCTAG (NM_000051.3); short protein forms E937fs.
Identifiers: ClinVar variation 420010 (VCV000420010.34), dbSNP rs757237504, ClinGen allele CA6265114.